The following is an entry in ClinVar:

NM_000388.4(CASR):c.1440T>A (p.Asp480Glu)

Gene: CASR (calcium sensing receptor; plus strand). Cytogenetic location: 3q21.1.
Variant type: single nucleotide variant.
Coding change: c.1440T>A on transcript NM_000388.4 (MANE Select); coding-DNA position 1440, T replaced by A.
Protein change: p.Asp480Glu; replaces aspartic acid 480 with glutamic acid.
Molecular consequence: missense variant.
Genome position (GRCh38, 1-based): chr3:122,275,874, T>A. VCF-style: chr3-122275874-T-A. GRCh37 (hg19) VCF-style: chr3-121994721-T-A.
Other names: c.1440T>A, p.Asp480Glu (NM_001178065.2); short protein forms D480E.
Identifiers: ClinVar variation 1721329 (VCV001721329.6), dbSNP rs2473257706, ClinGen allele CA354155030.
Genomic context (GRCh38, chr3:122,275,874, plus strand): 5'-CCTGAAGCACCTACGGCATCTAAACTTTACAAACAATATGGGGGAGCAGGTGACCTTTGA[T>A]GAGTGTGGTGACCTGGTGGGGAACTATTCCATCATCAACTGGCACCTCTCCCCAGAGGAT-3'
Protein context (NP_000379.3, residues 470-490): TNNMGEQVTF[Asp480Glu]ECGDLVGNYS

ClinVar aggregate classification (germline): Uncertain significance (1 of 4 stars; one submission).

Conditions:
Familial hypocalciuric hypercalcemia (FHH). Also called: Familial benign hypercalcemia. Identifiers: Orphanet 405, MedGen C1809471, MONDO:0018458.
Autosomal dominant hypocalcemia 1 (HYPOC1). Also called: HYPOCALCEMIA, FAMILIAL. Identifiers: MedGen C3715128, MONDO:0011013, OMIM 601198.

Submission:

Labcorp Genetics (formerly Invitae), Labcorp
Classification: Uncertain significance for Familial hypocalciuric hypercalcemia; Autosomal dominant hypocalcemia 1. Last evaluated: 2022-10-09. Review status: criteria provided, single submitter. Criteria: Invitae Variant Classification Sherloc (09022015). Collection method: clinical testing. Allele origin: germline.
Comment: This sequence change replaces aspartic acid, which is acidic and polar, with glutamic acid, which is acidic and polar, at codon 480 of the CASR protein (p.Asp480Glu). This variant is not present in population databases (gnomAD no frequency). In summary, the available evidence is currently insufficient to determine the role of this variant in disease. Therefore, it has been classified as a Variant of Uncertain Significance. Algorithms developed to predict the effect of missense changes on protein structure and function are either unavailable or do not agree on the potential impact of this missense change (SIFT: "Tolerated"; PolyPhen-2: "Possibly Damaging"; Align-GVGD: "Class C0"). This variant has not been reported in the literature in individuals affected with CASR-related conditions.